The following is an entry in ClinVar:

NM_006361.6(HOXB13):c.712A>C (p.Asn238His)

Gene: HOXB13 (homeobox B13; minus strand). Cytogenetic location: 17q21.32.
Variant type: single nucleotide variant.
Coding change: c.712A>C on transcript NM_006361.6 (MANE Select); coding-DNA position 712, A replaced by C.
Protein change: p.Asn238His; replaces asparagine 238 with histidine.
Molecular consequence: missense variant.
Genome position (GRCh38, 1-based): chr17:48,726,933, T>G on the plus strand (A>C on the coding strand, the complement: HOXB13 is on the minus strand). VCF-style: chr17-48726933-T-G. GRCh37 (hg19) VCF-style: chr17-46804295-T-G.
Other names: short protein forms N238H.
Identifiers: ClinVar variation 4533095 (VCV004533095.1).

ClinVar aggregate classification (germline): Uncertain significance (1 of 4 stars; one submission).

Submission:

Quest Diagnostics Nichols Institute San Juan Capistrano
Classification: Uncertain significance. Last evaluated: 2025-04-16. Review status: criteria provided, single submitter. Criteria: Quest Diagnostics criteria. Collection method: clinical testing. Allele origin: unknown.
Comment: The HOXB13 c.712A>C (p.Asn238His) variant has not been reported in individuals with HOXB13-related conditions in the published literature. It also has not been reported in large, multi-ethnic general populations (Genome Aggregation Database). Analysis of this variant using bioinformatics tools for the prediction of the effect of amino acid changes on protein structure and function yielded conflicting predictions that this variant is benign or damaging. Based on the available information, we are unable to determine the clinical significance of this variant.